The following is an entry in ClinVar:

ClinVar aggregate classification (germline): Benign/Likely benign. Review status: criteria provided, multiple submitters, no conflicts (2 of 4 stars). 2 submissions from 2 submitters: Benign (1); Likely benign (1). Last evaluated 2024-12-20.

Conditions:
Lynch syndrome 5 (LYNCH5). Also called: Colorectal cancer, hereditary nonpolyposis, type 5; Hereditary non-polyposis colorectal cancer, type 5. Identifiers: Orphanet 144, MedGen C1833477, MONDO:0013710, OMIM 614350. Disease mechanism: loss of function.
Hereditary nonpolyposis colorectal neoplasms. Identifiers: MedGen C0009405, MeSH D003123.

Submissions (2):

Myriad Genetics, Inc.
Classification: Benign for Lynch syndrome 5. Last evaluated: 2024-12-20. Review status: criteria provided, single submitter. Criteria: Myriad Autosomal Dominant, Autosomal Recessive and X-Linked Classification Criteria (2023). Collection method: clinical testing. Allele origin: unknown.
Comment: This variant is considered benign. This variant is a silent/synonymous amino acid change and it is not expected to impact splicing.

Labcorp Genetics (formerly Invitae), Labcorp
Classification: Likely benign for Hereditary nonpolyposis colorectal neoplasms. Last evaluated: 2023-12-28. Review status: criteria provided, single submitter. Criteria: Invitae Variant Classification Sherloc (09022015). Collection method: clinical testing. Allele origin: germline.

NM_000179.3(MSH6):c.735A>T (p.Ile245=)

Gene: MSH6 (mutS homolog 6; plus strand). Cytogenetic location: 2p16.3.
Variant type: single nucleotide variant.
Coding change: c.735A>T on transcript NM_000179.3 (MANE Select); coding-DNA position 735, A replaced by T.
Protein change: p.Ile245=; no amino-acid change (isoleucine 245 retained).
Molecular consequence: synonymous variant. On other transcripts: 5 prime UTR variant (2).
Genome position (GRCh38, 1-based): chr2:47,798,718, A>T. VCF-style: chr2-47798718-A-T. GRCh37 (hg19) VCF-style: chr2-48025857-A-T.
Other names: c.345A>T, p.Ile115= (NM_001281492.2); c.-172A>T (NM_001281493.2, NM_001281494.2).
Identifiers: ClinVar variation 1135492 (VCV001135492.10), dbSNP rs2104294265, ClinGen allele CA426120688.
Genomic context (GRCh38, chr2:47,798,718, plus strand): 5'-TGAGAGTGAAGAGGAAGTACAGCCTAAGACACAAGGATCTAGGCGAAGTAGCCGCCAAAT[A>T]AAAAAACGAAGGGTCATATCAGATTCTGAGAGTGACATTGGTGGCTCTGATGTGGAATTT-3'
Protein context (NP_000170.1, residues 235-255): TQGSRRSSRQ[Ile245=]KKRRVISDSE